The following is an entry in ClinVar:

NM_000835.6(GRIN2C):c.2583+4G>C

Gene: GRIN2C (glutamate ionotropic receptor NMDA type subunit 2C; minus strand). Cytogenetic location: 17q25.1.
Variant type: single nucleotide variant.
Coding change: c.2583+4G>C on transcript NM_000835.6 (MANE Select); 4 bases into the intron after coding-DNA position 2583, G replaced by C.
Molecular consequence: intron variant. On other transcripts: missense variant (1).
Genome position (GRCh38, 1-based): chr17:74,844,272, C>G on the plus strand (G>C on the coding strand, the complement: GRIN2C is on the minus strand). VCF-style: chr17-74844272-C-G. GRCh37 (hg19) VCF-style: chr17-72840411-C-G.
Other names: c.2587G>C, p.Gly863Arg (NM_001278553.2); short protein forms G863R.
Identifiers: ClinVar variation 3344884 (VCV003344884.1).
Genomic context (GRCh38, chr17:74,844,272, plus strand): 5'-CCCGGACTTATCTGGGTAGGTGCCCTTAAAACTTTGGCCTGTGTGGGGAGGGGTGGGCAC[C>G]CACCCTGCTGAAAGCCAGCAGGAAGTCCAGCTGGGATGAGTTGGGCACCGAGTGGCGCAG-3'

ClinVar aggregate classification (germline): Uncertain significance (0 of 4 stars; one submission).

Conditions:
GRIN2C-related disorder. Also called: GRIN2C-related condition.

Submission:

PreventionGenetics, part of Exact Sciences
Classification: Uncertain significance for GRIN2C-related condition. Last evaluated: 2024-07-11. Review status: no assertion criteria provided. Collection method: clinical testing. Allele origin: germline.
Comment: The GRIN2C c.2587G>C variant is predicted to result in the amino acid substitution p.Gly863Arg. To our knowledge, this variant has not been reported in the literature or in a large population database, indicating this variant is rare. At this time, the clinical significance of this variant is uncertain due to the absence of conclusive functional and genetic evidence.